The following is an entry in ClinVar:

NM_080669.6(SLC46A1):c.1171C>G (p.Leu391Val)

Genes: SARM1 (sterile alpha and TIR motif containing 1; plus strand), SLC46A1 (solute carrier family 46 member 1; minus strand). Cytogenetic location: 17q11.2.
Variant type: single nucleotide variant.
Coding change: c.1171C>G on transcript NM_080669.6 (MANE Select); coding-DNA position 1171, C replaced by G.
Protein change: p.Leu391Val; replaces leucine 391 with valine.
Molecular consequence: missense variant. On other transcripts: 3 prime UTR variant (1).
Genome position (GRCh38, 1-based): chr17:28,400,761, G>C on the plus strand (C>G on the coding strand, the complement: SLC46A1 is on the minus strand). VCF-style: chr17-28400761-G-C. GRCh37 (hg19) VCF-style: chr17-26727778-G-C.
Other names: c.1087C>G, p.Leu363Val (NM_001242366.3); c.*4475G>C (NM_015077.4); short protein forms L363V, L391V.
Identifiers: ClinVar variation 1491983 (VCV001491983.6), dbSNP rs782756958, ClinGen allele CA8458191.

ClinVar aggregate classification (germline): Uncertain significance (1 of 4 stars; one submission).

Allele frequency attached by ClinVar (database versions not stated): gnomAD exomes 0.00001; ExAC 0.00003.
gnomAD v4.1: 2 of 1,566,110 alleles (0.00013%); highest among the groups gnomAD compares: South Asian, 0.0023%; no homozygotes.

Submission:

Labcorp Genetics (formerly Invitae), Labcorp
Classification: Uncertain significance. Last evaluated: 2024-11-11. Review status: criteria provided, single submitter. Criteria: Invitae Variant Classification Sherloc (09022015). Collection method: clinical testing. Allele origin: germline.
Comment: This sequence change replaces leucine with valine at codon 391 of the SLC46A1 protein (p.Leu391Val). The leucine residue is highly conserved and there is a small physicochemical difference between leucine and valine. This variant is present in population databases (rs782756958, gnomAD 0.004%). This variant has not been reported in the literature in individuals affected with SLC46A1-related conditions. ClinVar contains an entry for this variant (Variation ID: 1491983). Invitae Evidence Modeling of protein sequence and biophysical properties (such as structural, functional, and spatial information, amino acid conservation, physicochemical variation, residue mobility, and thermodynamic stability) indicates that this missense variant is not expected to disrupt SLC46A1 protein function with a negative predictive value of 80%. In summary, the available evidence is currently insufficient to determine the role of this variant in disease. Therefore, it has been classified as a Variant of Uncertain Significance.